The following is an entry in ClinVar:

ClinVar aggregate classification (germline): Pathogenic (1 of 4 stars; one submission).

Conditions:
Cohen syndrome (COH1). Also called: PEPPER SYNDROME; Cutis verticis gyrata, retinitis pigmentosa, and sensorineural deafness. Identifiers: Orphanet 193, MedGen C0265223, MONDO:0008999, OMIM 216550.

Submission:

Labcorp Genetics (formerly Invitae), Labcorp
Classification: Pathogenic for Cohen syndrome. Last evaluated: 2023-10-05. Review status: criteria provided, single submitter. Criteria: Invitae Variant Classification Sherloc (09022015). Collection method: clinical testing. Allele origin: germline.
Comment: This variant is a gross deletion of the genomic region encompassing exon(s) 25-30 of the VPS13B gene. This deletion is out-of-frame, and is expected to create a premature termination codon and result in an absent or disrupted protein product. Loss-of-function variants in VPS13B are known to be pathogenic (PMID: 15141358, 16648375, 20461111). This variant has not been reported in the literature in individuals affected with VPS13B-related conditions. For these reasons, this variant has been classified as Pathogenic.

Literature cited by the submitters: PubMed 15141358; PubMed 16648375; PubMed 20461111.

NC_000008.10:g.(?_100493807)_(100533258_?)del

Gene: VPS13B (vacuolar protein sorting 13 homolog B; plus strand). Cytogenetic location: 8q22.2.
Variant type: Deletion.
Identifiers: ClinVar variation 1456589 (VCV001456589.6).